The following is an entry in ClinVar:

ClinVar aggregate classification (germline): Uncertain significance (1 of 4 stars; one submission).

Conditions:
Parkinsonian-pyramidal syndrome. Also called: PARKINSON DISEASE 15, AUTOSOMAL RECESSIVE EARLY-ONSET; PALLIDOPYRAMIDAL SYNDROME; PARKINSON DISEASE 15, AUTOSOMAL RECESSIVE. Identifiers: Orphanet 171695, MedGen C1850100, MONDO:0009830, OMIM 260300.

Allele frequency attached by ClinVar (database versions not stated): ExAC 0.00002; gnomAD exomes 0.00006; ESP Exome Variant Server 0.00008; gnomAD 0.00008; TOPMed 0.00010.
gnomAD v4.1: 94 of 1,611,506 alleles (0.0058%); highest among the groups gnomAD compares: Admixed American, 0.028%; 1 homozygote.

Submission:

Labcorp Genetics (formerly Invitae), Labcorp
Classification: Uncertain significance for Parkinsonian-pyramidal syndrome. Last evaluated: 2022-04-28. Review status: criteria provided, single submitter. Criteria: Invitae Variant Classification Sherloc (09022015). Collection method: clinical testing. Allele origin: germline.
Comment: This sequence change replaces proline, which is neutral and non-polar, with leucine, which is neutral and non-polar, at codon 315 of the FBXO7 protein (p.Pro315Leu). This variant is present in population databases (rs148602613, gnomAD 0.03%), including at least one homozygous and/or hemizygous individual. This variant has not been reported in the literature in individuals affected with FBXO7-related conditions. Algorithms developed to predict the effect of missense changes on protein structure and function are either unavailable or do not agree on the potential impact of this missense change (SIFT: "Tolerated"; PolyPhen-2: "Probably Damaging"; Align-GVGD: "Class C0"). In summary, the available evidence is currently insufficient to determine the role of this variant in disease. Therefore, it has been classified as a Variant of Uncertain Significance.

NM_012179.4(FBXO7):c.944C>T (p.Pro315Leu)

Gene: FBXO7 (F-box protein 7; plus strand). Cytogenetic location: 22q12.3.
Variant type: single nucleotide variant.
Coding change: c.944C>T on transcript NM_012179.4 (MANE Select); coding-DNA position 944, C replaced by T.
Protein change: p.Pro315Leu; replaces proline 315 with leucine.
Molecular consequence: missense variant.
Genome position (GRCh38, 1-based): chr22:32,491,158, C>T. VCF-style: chr22-32491158-C-T. GRCh37 (hg19) VCF-style: chr22-32887145-C-T.
Other names: c.707C>T, p.Pro236Leu (NM_001033024.2); c.602C>T, p.Pro201Leu (NM_001257990.2); short protein forms P201L, P236L, P315L.
Identifiers: ClinVar variation 1989495 (VCV001989495.1), dbSNP rs148602613, ClinGen allele CA10201582.